The following is an entry in ClinVar:

ClinVar aggregate classification (germline): Uncertain significance (1 of 4 stars; one submission).

Conditions:
Congenital disorder of deglycosylation 2 (CDDG2). Identifiers: MedGen C5676931, MONDO:0030770, OMIM 619775.

gnomAD v4.1: 84 of 1,612,012 alleles (0.0052%); highest among the groups gnomAD compares: East Asian, 0.15%; no homozygotes.

Submission:

Juno Genomics, Hangzhou Juno Genomics, Inc
Classification: Uncertain significance for Congenital disorder of deglycosylation 2. Review status: criteria provided, single submitter. Criteria: ACMG Guidelines, 2015. Collection method: clinical testing. Allele origin: germline.
Comment: Absent from controls (or at extremely low frequency if recessive) in Genome Aggregation Database.;Multiple lines of computational evidence support a deleterious effect on the gene or gene product.

NM_006715.4(MAN2C1):c.1423C>T (p.Arg475Cys)

Gene: MAN2C1 (mannosidase alpha class 2C member 1; minus strand). Cytogenetic location: 15q24.2.
Variant type: single nucleotide variant.
Coding change: c.1423C>T on transcript NM_006715.4 (MANE Select); coding-DNA position 1423, C replaced by T.
Protein change: p.Arg475Cys; replaces arginine 475 with cysteine.
Molecular consequence: missense variant.
Genome position (GRCh38, 1-based): chr15:75,361,083, G>A on the plus strand (C>T on the coding strand, the complement: MAN2C1 is on the minus strand). VCF-style: chr15-75361083-G-A. GRCh37 (hg19) VCF-style: chr15-75653424-G-A.
Other names: c.1423C>T, p.Arg475Cys (NM_001256494.2, NM_001256495.2); c.1126C>T, p.Arg376Cys (NM_001256496.2); short protein forms R376C, R475C.
Identifiers: ClinVar variation 5005460 (VCV005005460.2).